The following is an entry in ClinVar:

ClinVar aggregate classification (germline): Conflicting classifications of pathogenicity. Review status: criteria provided, conflicting classifications (1 of 4 stars). 2 submissions from 2 submitters: Uncertain significance (1); Likely benign (1). Last evaluated 2025-06-19.

Conditions:
Imerslund-Grasbeck syndrome. Also called: Megaloblastic anemia due to inborn errors of metabolism; ENTEROCYTE COBALAMIN MALABSORPTION; ENTEROCYTE INTRINSIC FACTOR RECEPTOR, DEFECT OF; PERNICIOUS ANEMIA, JUVENILE, DUE TO SELECTIVE INTESTINAL MALABSORPTION OF VITAMIN B12, WITH PROTEINURIA; Imerslund-Gräsbeck syndrome. Identifiers: Orphanet 35858, MedGen C4551825, MONDO:0009853.
Inborn genetic diseases. Identifiers: MedGen C0950123, MeSH D030342.

Allele frequency attached by ClinVar (database versions not stated): gnomAD 0.00001 and 0.00002; gnomAD exomes 0.00003; ExAC 0.00004; TOPMed 0.00004; ESP Exome Variant Server 0.00008.
gnomAD v4.1: 48 of 1,613,936 alleles (0.003%); highest among the groups gnomAD compares: African/African-American, 0.011%; no homozygotes.

Submissions (2):

Ambry Genetics
Classification: Likely benign for Inborn genetic diseases. Last evaluated: 2025-06-19. Review status: criteria provided, single submitter. Criteria: Ambry Variant Classification Scheme 2023. Collection method: clinical testing. Allele origin: germline.

Labcorp Genetics (formerly Invitae), Labcorp
Classification: Uncertain significance for Imerslund-Grasbeck syndrome. Last evaluated: 2022-03-03. Review status: criteria provided, single submitter. Criteria: Invitae Variant Classification Sherloc (09022015). Collection method: clinical testing. Allele origin: germline.
Comment: This sequence change replaces arginine, which is basic and polar, with glutamine, which is neutral and polar, at codon 1345 of the CUBN protein (p.Arg1345Gln). This variant is present in population databases (rs377486978, gnomAD 0.007%). This variant has not been reported in the literature in individuals affected with CUBN-related conditions. Algorithms developed to predict the effect of missense changes on protein structure and function output the following: SIFT: "Tolerated"; PolyPhen-2: "Benign"; Align-GVGD: "Class C0". The glutamine amino acid residue is found in multiple mammalian species, which suggests that this missense change does not adversely affect protein function. Algorithms developed to predict the effect of sequence changes on RNA splicing suggest that this variant may create or strengthen a splice site. In summary, the available evidence is currently insufficient to determine the role of this variant in disease. Therefore, it has been classified as a Variant of Uncertain Significance.

NM_001081.4(CUBN):c.4034G>A (p.Arg1345Gln)

Gene: CUBN (cubilin; minus strand). Cytogenetic location: 10p13.
Variant type: single nucleotide variant.
Coding change: c.4034G>A on transcript NM_001081.4 (MANE Select); coding-DNA position 4034, G replaced by A.
Protein change: p.Arg1345Gln; replaces arginine 1345 with glutamine.
Molecular consequence: missense variant.
Genome position (GRCh38, 1-based): chr10:17,019,967, C>T on the plus strand (G>A on the coding strand, the complement: CUBN is on the minus strand). VCF-style: chr10-17019967-C-T. GRCh37 (hg19) VCF-style: chr10-17061966-C-T.
Other names: c.4034G>A (NM_001081.3); short protein forms R1345Q.
Identifiers: ClinVar variation 1448808 (VCV001448808.6), dbSNP rs377486978, ClinGen allele CA5424502.
Genomic context (GRCh38, chr10:17,019,967, plus strand): 5'-TTGGAGCTTGTAGTACTCCCTGGAGGGGGCAGGTCTACTCCACAGTAGCGTCCCATCTGC[C>T]GTGGTCCATCATAGAGCTGAAATTGAAGAGAAACTTTCCCATATAAAAACACATGGTTTG-3'
Protein context (NP_001072.2, residues 1335-1355): TDYLELYDGP[Arg1345Gln]QMGRYCGVDL